The following is an entry in ClinVar:

ClinVar aggregate classification (germline): Uncertain significance (1 of 4 stars; one submission).

Conditions:
Hereditary cancer-predisposing syndrome. Also called: Neoplastic Syndromes, Hereditary; Tumor predisposition; Hereditary Cancer Syndrome; Hereditary neoplastic syndrome. Identifiers: Orphanet 140162, MedGen C0027672, MeSH D009386, MONDO:0015356.

Submission:

Ambry Genetics
Classification: Uncertain significance for Hereditary cancer-predisposing syndrome. Last evaluated: 2022-01-11. Review status: criteria provided, single submitter. Criteria: Ambry Variant Classification Scheme 2023. Collection method: clinical testing. Allele origin: germline.
Comment: The p.K610E variant (also known as c.1828A>G), located in coding exon 11 of the ATM gene, results from an A to G substitution at nucleotide position 1828. The lysine at codon 610 is replaced by glutamic acid, an amino acid with similar properties. This amino acid position is conserved. In addition, the in silico prediction for this alteration is inconclusive. Since supporting evidence is limited at this time, the clinical significance of this alteration remains unclear.

NM_000051.4(ATM):c.1828A>G (p.Lys610Glu)

Gene: ATM (ATM serine/threonine kinase; plus strand). Cytogenetic location: 11q22.3.
Variant type: single nucleotide variant.
Coding change: c.1828A>G on transcript NM_000051.4 (MANE Select); coding-DNA position 1828, A replaced by G.
Protein change: p.Lys610Glu; replaces lysine 610 with glutamic acid.
Molecular consequence: missense variant.
Genome position (GRCh38, 1-based): chr11:108,252,842, A>G. VCF-style: chr11-108252842-A-G. GRCh37 (hg19) VCF-style: chr11-108123569-A-G.
Other names: c.1828A>G, p.Lys610Glu (NM_001351834.2); short protein forms K610E.
Identifiers: ClinVar variation 1780875 (VCV001780875.2), dbSNP rs2497289755, ClinGen allele CA382535780.